The following is an entry in ClinVar:

NM_001291303.3(FAT4):c.10558A>C (p.Met3520Leu)

Gene: FAT4 (FAT atypical cadherin 4; plus strand). Cytogenetic location: 4q28.1.
Variant type: single nucleotide variant.
Coding change: c.10558A>C on transcript NM_001291303.3 (MANE Select); coding-DNA position 10558, A replaced by C.
Protein change: p.Met3520Leu; replaces methionine 3520 with leucine.
Molecular consequence: missense variant.
Genome position (GRCh38, 1-based): chr4:125,451,568, A>C. VCF-style: chr4-125451568-A-C. GRCh37 (hg19) VCF-style: chr4-126372723-A-C.
Other names: c.10558A>C, p.Met3520Leu (NM_001291285.3); c.10552A>C, p.Met3518Leu (NM_024582.6); short protein forms M3518L, M3520L.
Identifiers: ClinVar variation 2800991 (VCV002800991.3), dbSNP rs1202939516, ClinGen allele CA358158965.
Genomic context (GRCh38, chr4:125,451,568, plus strand): 5'-GTCACCCTGGAAGATATAAATGATAACGGGCCCATGCTGACTGTCAGTGAAGGAGAAGTC[A>C]TGGAAAACAAACGGCCAGGCACTTTGGTGATGACCCTTCAGTCCACTGACCCTGATCTCC-3'
Protein context (NP_001278232.1, residues 3510-3530): PMLTVSEGEV[Met3520Leu]ENKRPGTLVM

ClinVar aggregate classification (germline): Uncertain significance (1 of 4 stars; one submission).

Allele frequency attached by ClinVar (database versions not stated): TOPMed 0.00001.

Submission:

Labcorp Genetics (formerly Invitae), Labcorp
Classification: Uncertain significance. Last evaluated: 2023-11-18. Review status: criteria provided, single submitter. Criteria: Invitae Variant Classification Sherloc (09022015). Collection method: clinical testing. Allele origin: germline.
Comment: This sequence change replaces methionine, which is neutral and non-polar, with leucine, which is neutral and non-polar, at codon 3518 of the FAT4 protein (p.Met3518Leu). This variant is not present in population databases (gnomAD no frequency). This variant has not been reported in the literature in individuals affected with FAT4-related conditions. Advanced modeling of protein sequence and biophysical properties (such as structural, functional, and spatial information, amino acid conservation, physicochemical variation, residue mobility, and thermodynamic stability) performed at Invitae indicates that this missense variant is not expected to disrupt FAT4 protein function with a negative predictive value of 95%. In summary, the available evidence is currently insufficient to determine the role of this variant in disease. Therefore, it has been classified as a Variant of Uncertain Significance.